The following is an entry in ClinVar:

NM_017617.5(NOTCH1):c.1801G>A (p.Glu601Lys)

Gene: NOTCH1 (notch receptor 1; minus strand). Cytogenetic location: 9q34.3.
Variant type: single nucleotide variant.
Coding change: c.1801G>A on transcript NM_017617.5 (MANE Select); coding-DNA position 1801, G replaced by A.
Protein change: p.Glu601Lys; replaces glutamic acid 601 with lysine.
Molecular consequence: missense variant.
Genome position (GRCh38, 1-based): chr9:136,515,585, C>T on the plus strand (G>A on the coding strand, the complement: NOTCH1 is on the minus strand). VCF-style: chr9-136515585-C-T. GRCh37 (hg19) VCF-style: chr9-139410037-C-T.
Other names: c.1801G>A, p.Glu601Lys (LRG_1122t1); short protein forms E601K.
Identifiers: ClinVar variation 659696 (VCV000659696.16), dbSNP rs749381544, ClinGen allele CA5341625.

ClinVar aggregate classification (germline): Conflicting classifications of pathogenicity. Review status: criteria provided, conflicting classifications (1 of 4 stars). 7 submissions from 7 submitters: Uncertain significance (1); Benign (1); Likely benign (2). 3 of the submissions do not count toward it. Last evaluated 2025-08-23.

Conditions:
Adams-Oliver syndrome 5 (AOS5). Identifiers: Orphanet 974, MedGen C4014970, MONDO:0014459, OMIM 616028.
Familial thoracic aortic aneurysm and aortic dissection (TAAD). Also called: Thoracic aortic aneurysms and dissections. Identifiers: Orphanet 91387, MedGen C4707243, MONDO:0019625.

Allele frequency attached by ClinVar (database versions not stated): gnomAD 0.00002 and 0.00003; TOPMed 0.00002; gnomAD exomes 0.00003 and 0.00005; ExAC 0.00004.
gnomAD v4.1: 42 of 1,610,414 alleles (0.0026%); highest among the groups gnomAD compares: Admixed American, 0.018%; no homozygotes.

Submissions (7):

Labcorp Genetics (formerly Invitae), Labcorp
Classification: Benign for Adams-Oliver syndrome 5. Last evaluated: 2025-08-23. Review status: criteria provided, single submitter. Criteria: Invitae Variant Classification Sherloc (09022015). Collection method: clinical testing. Allele origin: germline.

Women's Health and Genetics/Laboratory Corporation of America, LabCorp
Classification: Likely benign. Last evaluated: 2024-09-23. Review status: criteria provided, single submitter. Criteria: LabCorp Variant Classification Summary - May 2015. Collection method: clinical testing. Allele origin: germline.
Comment: Variant summary: NOTCH1 c.1801G>A (p.Glu601Lys) results in a conservative amino acid change located in the EGF-like domain (IPR000742) of the encoded protein sequence. Three of five in-silico tools predict a damaging effect of the variant on protein function. The variant allele was found at a frequency of 5.4e-05 in 242498 control chromosomes. The observed variant frequency is approximately 1.72 fold of the estimated maximal expected allele frequency for a pathogenic variant in NOTCH1 causing Aortic Valve Disease phenotype (3.1e-05). c.1801G>A has been reported in the literature in at least one individual affected with Aortic Valve Disease (Kerstjens-Frederikse_2016). These report(s) do not provide unequivocal conclusions about association of the variant with Aortic Valve Disease. To our knowledge, no experimental evidence demonstrating an impact on protein function has been reported. The following publication has been ascertained in the context of this evaluation (PMID: 26820064). ClinVar contains an entry for this variant (Variation ID: 659696). Based on the evidence outlined above, the variant was classified as likely benign.

Ambry Genetics
Classification: Uncertain significance for Familial thoracic aortic aneurysm and aortic dissection. Last evaluated: 2023-12-29. Review status: criteria provided, single submitter. Criteria: Ambry Variant Classification Scheme 2023. Collection method: clinical testing. Allele origin: germline.
Comment: The p.E601K variant (also known as c.1801G>A), located in coding exon 11 of the NOTCH1 gene, results from a G to A substitution at nucleotide position 1801. The glutamic acid at codon 601 is replaced by lysine, an amino acid with similar properties. This amino acid position is conserved. In addition, the in silico prediction for this alteration is inconclusive. Since supporting evidence is limited at this time, the clinical significance of this alteration remains unclear.

GeneDx
Classification: Likely benign. Last evaluated: 2018-08-24. Review status: criteria provided, single submitter. Criteria: GeneDx Variant Classification Process June 2021. Collection method: clinical testing. Allele origin: germline. Affected: yes.

Diagnostic Laboratory, Department of Genetics, University Medical Center Groningen
Classification: Uncertain significance. Review status: no assertion criteria provided. Collection method: clinical testing. Allele origin: germline. Affected: yes. Study: VKGL Data-share Consensus. Not counted in ClinVar's aggregate classification.

Genome Diagnostics Laboratory, University Medical Center Utrecht
Classification: Uncertain significance. Review status: no assertion criteria provided. Collection method: clinical testing. Allele origin: germline. Affected: yes. Study: VKGL Data-share Consensus. Not counted in ClinVar's aggregate classification.

Joint Genome Diagnostic Labs from Nijmegen and Maastricht, Radboudumc and MUMC+
Classification: Uncertain significance. Review status: no assertion criteria provided. Collection method: clinical testing. Allele origin: germline. Affected: yes. Study: VKGL Data-share Consensus. Not counted in ClinVar's aggregate classification.

Literature cited by the submitters: PubMed 26820064 (cited by Women's Health and Genetics/Laboratory Corporation of America, LabCorp).